The following is an entry in ClinVar:

ClinVar aggregate classification (germline): Uncertain significance (1 of 4 stars; one submission).

gnomAD v4.1: 3 of 1,613,612 alleles (0.00019%); highest among the groups gnomAD compares: Non-Finnish European, 0.00025%; no homozygotes.

Submission:

CeGaT Center for Human Genetics Tuebingen
Classification: Uncertain significance. Last evaluated: 2022-07-01. Review status: criteria provided, single submitter. Criteria: CeGaT Center For Human Genetics Tuebingen Variant Classification Criteria Version 2. Collection method: clinical testing. Allele origin: germline. Affected: yes. Observed: 1 variant allele.
Comment: CIC: PM2, BP4

NM_001386298.1(CIC):c.6241C>T (p.Pro2081Ser)

Gene: CIC (capicua transcriptional repressor; plus strand). Cytogenetic location: 19q13.2.
Variant type: single nucleotide variant.
Coding change: c.6241C>T on transcript NM_001386298.1 (MANE Select); coding-DNA position 6241, C replaced by T.
Protein change: p.Pro2081Ser; replaces proline 2081 with serine.
Molecular consequence: missense variant.
Genome position (GRCh38, 1-based): chr19:42,293,000, C>T. VCF-style: chr19-42293000-C-T. GRCh37 (hg19) VCF-style: chr19-42797152-C-T.
Other names: c.3514C>T, p.Pro1172Ser (NM_015125.5, NM_001379484.1, NM_001379485.1); c.6241C>T, p.Pro2081Ser (NM_001304815.2, NM_001379482.1, NM_001379483.1); c.6238C>T, p.Pro2080Ser (NM_001379480.1); short protein forms P1172S, P2080S, P2081S.
Identifiers: ClinVar variation 2650008 (VCV002650008.24), dbSNP rs2038254213, ClinGen allele CA406116988.